The following is an entry in ClinVar:

NM_138694.4(PKHD1):c.9529A>G (p.Ile3177Val)

Gene: PKHD1 (PKHD1 ciliary IPT domain containing fibrocystin/polyductin; minus strand). Cytogenetic location: 6p12.3.
Variant type: single nucleotide variant.
Coding change: c.9529A>G on transcript NM_138694.4 (MANE Select); coding-DNA position 9529, A replaced by G.
Protein change: p.Ile3177Val; replaces isoleucine 3177 with valine.
Molecular consequence: missense variant.
Genome position (GRCh38, 1-based): chr6:51,748,087, T>C on the plus strand (A>G on the coding strand, the complement: PKHD1 is on the minus strand). VCF-style: chr6-51748087-T-C. GRCh37 (hg19) VCF-style: chr6-51612885-T-C.
Other names: c.9529A>G, p.Ile3177Val (NM_170724.3); short protein forms I3177V.
Identifiers: ClinVar variation 2081358 (VCV002081358.3), dbSNP rs373146561, ClinGen allele CA3851380.
Genomic context (GRCh38, chr6:51,748,087, plus strand): 5'-GCACTTTTTTGACGGAATTTTGTGGAGCAGAAAATACATACACTACTGCCAAAAGACCAA[T>C]AGTATTGTCTACCAGAGTAATGTTCTCTATCTCCACGCTGTTCTCTACATGTAACATGGC-3'
Protein context (NP_619639.3, residues 3167-3187): IENITLVDNT[Ile3177Val]GLLAVVYVFS

ClinVar aggregate classification (germline): Uncertain significance (1 of 4 stars; one submission).

Conditions:
Autosomal recessive polycystic kidney disease (ARPKD). Also called: AR polycystic kidney disease. Identifiers: Orphanet 731, Orphanet 8378, MedGen C0085548, MeSH D017044, MONDO:0009889.

Allele frequency attached by ClinVar (database versions not stated): gnomAD 0.00001; gnomAD exomes 0.00001; ExAC 0.00002; TOPMed 0.00003; ESP Exome Variant Server 0.00008.
gnomAD v4.1: 16 of 1,613,670 alleles (0.00099%); highest among the groups gnomAD compares: South Asian, 0.0044%; 1 homozygote.

Submission:

Labcorp Genetics (formerly Invitae), Labcorp
Classification: Uncertain significance for Autosomal recessive polycystic kidney disease. Last evaluated: 2024-04-29. Review status: criteria provided, single submitter. Criteria: Invitae Variant Classification Sherloc (09022015). Collection method: clinical testing. Allele origin: germline.
Comment: This sequence change replaces isoleucine, which is neutral and non-polar, with valine, which is neutral and non-polar, at codon 3177 of the PKHD1 protein (p.Ile3177Val). This variant is present in population databases (rs373146561, gnomAD 0.01%). This variant has not been reported in the literature in individuals affected with PKHD1-related conditions. ClinVar contains an entry for this variant (Variation ID: 2081358). Advanced modeling of protein sequence and biophysical properties (such as structural, functional, and spatial information, amino acid conservation, physicochemical variation, residue mobility, and thermodynamic stability) performed at Invitae indicates that this missense variant is not expected to disrupt PKHD1 protein function with a negative predictive value of 95%. In summary, the available evidence is currently insufficient to determine the role of this variant in disease. Therefore, it has been classified as a Variant of Uncertain Significance.